The following is an entry in ClinVar:

ClinVar aggregate classification (germline): Likely pathogenic. Review status: criteria provided, multiple submitters, no conflicts (2 of 4 stars). 2 submissions from 2 submitters: Likely pathogenic (2). Last evaluated 2023-04-11.

Conditions:
Glucose-6-phosphate transport defect (GSD1B). Also called: GSD Ib; Glycogen Storage Disease Type Ib. Identifiers: Orphanet 364, Orphanet 79259, MedGen C0268146, MONDO:0009288, OMIM 232220.

Allele frequency attached by ClinVar (database versions not stated): gnomAD exomes below 0.00001; TOPMed below 0.00001.

Submissions (2):

Baylor Genetics
Classification: Likely pathogenic for Glucose-6-phosphate transport defect. Last evaluated: 2023-04-11. Review status: criteria provided, single submitter. Criteria: ACMG Guidelines, 2015. Collection method: clinical testing. Allele origin: unknown.

Labcorp Genetics (formerly Invitae), Labcorp
Classification: Likely pathogenic for Glucose-6-phosphate transport defect. Last evaluated: 2022-07-17. Review status: criteria provided, single submitter. Criteria: Invitae Variant Classification Sherloc (09022015). Collection method: clinical testing. Allele origin: germline.
Comment: In summary, the currently available evidence indicates that the variant is pathogenic, but additional data are needed to prove that conclusively. Therefore, this variant has been classified as Likely Pathogenic. Algorithms developed to predict the effect of sequence changes on RNA splicing suggest that this variant may disrupt the consensus splice site. This variant has not been reported in the literature in individuals affected with SLC37A4-related conditions. This variant is not present in population databases (gnomAD no frequency). This sequence change affects a donor splice site in intron 7 of the SLC37A4 gene. It is expected to disrupt RNA splicing. Variants that disrupt the donor or acceptor splice site typically lead to a loss of protein function (PMID: 16199547), and loss-of-function variants in SLC37A4 are known to be pathogenic (PMID: 9758626, 10940311).

Literature cited by the submitters: PubMed 16199547 (cited by Labcorp Genetics (formerly Invitae), Labcorp); PubMed 9758626 (cited by Labcorp Genetics (formerly Invitae), Labcorp); PubMed 10940311 (cited by Labcorp Genetics (formerly Invitae), Labcorp).

NM_001164277.2(SLC37A4):c.871+1G>A

Gene: SLC37A4 (solute carrier family 37 member 4; minus strand). Cytogenetic location: 11q23.3.
Variant type: single nucleotide variant.
Coding change: c.871+1G>A on transcript NM_001164277.2 (MANE Select); the canonical splice donor site of the intron after coding-DNA position 871, G replaced by A.
Molecular consequence: splice donor variant.
Genome position (GRCh38, 1-based): chr11:119,026,602, C>T on the plus strand (G>A on the coding strand, the complement: SLC37A4 is on the minus strand). VCF-style: chr11-119026602-C-T. GRCh37 (hg19) VCF-style: chr11-118897312-C-T.
Other names: c.652+1G>A (NM_001164279.2); c.871+1G>A (NM_001467.6, NM_001164278.2, NM_001164280.2); c.870+1G>A (NM_001164277.2).
Identifiers: ClinVar variation 2017762 (VCV002017762.5), dbSNP rs1943574435, ClinGen allele CA382899879.